The following is an entry in ClinVar:

NM_015898.4(ZBTB7A):c.100T>C (p.Cys34Arg)

Gene: ZBTB7A (zinc finger and BTB domain containing 7A; minus strand). Cytogenetic location: 19p13.3.
Variant type: single nucleotide variant.
Coding change: c.100T>C on transcript NM_015898.4 (MANE Select); coding-DNA position 100, T replaced by C.
Protein change: p.Cys34Arg; replaces cysteine 34 with arginine.
Molecular consequence: missense variant.
Genome position (GRCh38, 1-based): chr19:4,055,133, A>G on the plus strand (T>C on the coding strand, the complement: ZBTB7A is on the minus strand). VCF-style: chr19-4055133-A-G. GRCh37 (hg19) VCF-style: chr19-4055131-A-G.
Other names: c.100T>C, p.Cys34Arg (NM_001317990.2); short protein forms C34R.
Identifiers: ClinVar variation 4527442 (VCV004527442.1).

ClinVar aggregate classification (germline): Uncertain significance (1 of 4 stars; one submission).

Submission:

GeneDx
Classification: Uncertain significance. Last evaluated: 2025-04-25. Review status: criteria provided, single submitter. Criteria: GeneDx Variant Classification Process June 2021. Collection method: clinical testing. Allele origin: germline. Affected: yes.
Comment: Not observed at significant frequency in large population cohorts (gnomAD); In silico analysis supports that this missense variant has a deleterious effect on protein structure/function; Has not been previously published as pathogenic or benign to our knowledge